The following is an entry in ClinVar:

NM_015272.5(RPGRIP1L):c.3658A>G (p.Ile1220Val)

Gene: RPGRIP1L (RPGRIP1 like; minus strand). Cytogenetic location: 16q12.2.
Variant type: single nucleotide variant.
Coding change: c.3658A>G on transcript NM_015272.5 (MANE Select); coding-DNA position 3658, A replaced by G.
Protein change: p.Ile1220Val; replaces isoleucine 1220 with valine.
Molecular consequence: missense variant.
Genome position (GRCh38, 1-based): chr16:53,611,010, T>C on the plus strand (A>G on the coding strand, the complement: RPGRIP1L is on the minus strand). VCF-style: chr16-53611010-T-C. GRCh37 (hg19) VCF-style: chr16-53644922-T-C.
Other names: c.3418A>G, p.Ile1140Val (NM_001127897.4); c.3520A>G, p.Ile1174Val (NM_001308334.3); c.3556A>G, p.Ile1186Val (NM_001330538.2); c.3658A>G (NM_015272.4); short protein forms I1140V, I1174V, I1186V, I1220V.
Identifiers: ClinVar variation 965972 (VCV000965972.15), dbSNP rs147046186, ClinGen allele CA8057226.

ClinVar aggregate classification (germline): Conflicting classifications of pathogenicity. Review status: criteria provided, conflicting classifications (1 of 4 stars). 7 submissions from 7 submitters: Uncertain significance (4); Likely benign (2). 1 of the submissions does not count toward it. Last evaluated 2024-10-07.

Conditions:
RPGRIP1L-related disorder. Also called: RPGRIP1L-related condition; RPGRIP1L-related disorders. Identifiers: MedGen CN239416.
Inborn genetic diseases. Identifiers: MedGen C0950123, MeSH D030342.
Joubert syndrome. Also called: Familial aplasia of the vermis; JOUBERT-BOLTSHAUSER SYNDROME. Identifiers: Orphanet 475, MedGen C5979921, MONDO:0018772.
Joubert syndrome 7 (JBTS7). Identifiers: Orphanet 220497, MedGen C1969053, MONDO:0012694, OMIM 611560.
Meckel syndrome, type 5 (MKS5). Identifiers: Orphanet 564, MedGen C1969052, MONDO:0012695, OMIM 611561.
COACH syndrome 3. Identifiers: MedGen C5436841, MONDO:0030862, OMIM 619113.
Meckel-Gruber syndrome. Also called: GRUBER SYNDROME; Dysencephalia splachnocystica; DYSENCEPHALIA SPLANCHNOCYSTICA. Identifiers: Orphanet 564, MedGen C0265215, MONDO:0018921.

Allele frequency attached by ClinVar (database versions not stated): gnomAD exomes 0.00001 and 0.00008; ExAC 0.00012; gnomAD 0.00023 and 0.00026; TOPMed 0.00026; ESP Exome Variant Server 0.00038.
gnomAD v4.1: 64 of 1,613,436 alleles (0.004%); highest among the groups gnomAD compares: African/African-American, 0.068%; no homozygotes.

Submissions (7):

PreventionGenetics, part of Exact Sciences
Classification: Likely benign for RPGRIP1L-related condition. Last evaluated: 2024-10-07. Review status: criteria provided, single submitter. Criteria: ACMG Guidelines, 2015. Collection method: clinical testing. Allele origin: germline.
Comment: This variant is classified as likely benign based on ACMG/AMP sequence variant interpretation guidelines (Richards et al. 2015 PMID: 25741868, with internal and published modifications).

Blueprint Genetics
Classification: Likely benign. Last evaluated: 2024-06-27. Review status: criteria provided, single submitter. Criteria: ACMG Guidelines, 2015. Collection method: clinical testing. Allele origin: germline.

Fulgent Genetics
Classification: Uncertain significance for Joubert syndrome 7; Meckel syndrome, type 5; COACH syndrome 3. Last evaluated: 2024-04-25. Review status: criteria provided, single submitter. Criteria: ACMG Guidelines, 2015. Collection method: clinical testing. Allele origin: germline.

Labcorp Genetics (formerly Invitae), Labcorp
Classification: Uncertain significance for Joubert syndrome; Meckel-Gruber syndrome. Last evaluated: 2022-09-06. Review status: criteria provided, single submitter. Criteria: Invitae Variant Classification Sherloc (09022015). Collection method: clinical testing. Allele origin: germline.
Comment: This sequence change replaces isoleucine, which is neutral and non-polar, with valine, which is neutral and non-polar, at codon 1220 of the RPGRIP1L protein (p.Ile1220Val). This variant is present in population databases (rs147046186, gnomAD 0.08%). This variant has not been reported in the literature in individuals affected with RPGRIP1L-related conditions. ClinVar contains an entry for this variant (Variation ID: 965972). Algorithms developed to predict the effect of missense changes on protein structure and function output the following: SIFT: "Tolerated"; PolyPhen-2: "Benign"; Align-GVGD: "Class C0". The valine amino acid residue is found in multiple mammalian species, which suggests that this missense change does not adversely affect protein function. In summary, the available evidence is currently insufficient to determine the role of this variant in disease. Therefore, it has been classified as a Variant of Uncertain Significance.

Ambry Genetics
Classification: Uncertain significance for Inborn genetic diseases. Last evaluated: 2021-06-30. Review status: criteria provided, single submitter. Criteria: Ambry Variant Classification Scheme 2023. Collection method: clinical testing. Allele origin: germline.

GeneDx
Classification: Uncertain significance. Last evaluated: 2020-07-17. Review status: criteria provided, single submitter. Criteria: GeneDx Variant Classification Process June 2021. Collection method: clinical testing. Allele origin: germline. Affected: yes.
Comment: In silico analysis supports that this missense variant does not alter protein structure/function; Has not been previously published as pathogenic or benign to our knowledge

Natera, Inc.
Classification: Uncertain significance for Joubert syndrome. Last evaluated: 2020-08-24. Review status: no assertion criteria provided. Collection method: clinical testing. Allele origin: germline. Not counted in ClinVar's aggregate classification.